The following is an entry in ClinVar:

ClinVar aggregate classification (germline): Likely benign (1 of 4 stars; one submission).

Allele frequency attached by ClinVar (database versions not stated): ESP Exome Variant Server 0.00085.
gnomAD v4.1: 1,593 of 1,612,784 alleles (0.099%); highest among the groups gnomAD compares: Non-Finnish European, 0.12%; 2 homozygotes.

Submission:

CeGaT Center for Human Genetics Tuebingen
Classification: Likely benign. Last evaluated: 2022-07-01. Review status: criteria provided, single submitter. Criteria: CeGaT Center For Human Genetics Tuebingen Variant Classification Criteria Version 2. Collection method: clinical testing. Allele origin: germline. Affected: yes. Observed: 1 variant allele.
Comment: RIF1: BP4, BP7

NM_018151.5(RIF1):c.4563T>C (p.Ile1521=)

Gene: RIF1 (replication timing regulatory factor 1; plus strand). Cytogenetic location: 2q23.3.
Variant type: single nucleotide variant.
Coding change: c.4563T>C on transcript NM_018151.5 (MANE Select); coding-DNA position 4563, T replaced by C.
Protein change: p.Ile1521=; no amino-acid change (isoleucine 1521 retained).
Molecular consequence: synonymous variant.
Genome position (GRCh38, 1-based): chr2:151,464,083, T>C. VCF-style: chr2-151464083-T-C. GRCh37 (hg19) VCF-style: chr2-152320597-T-C.
Other names: c.4563T>C, p.Ile1521= (NM_001177663.2, NM_001177664.2, NM_001177665.2).
Identifiers: ClinVar variation 2651422 (VCV002651422.24), dbSNP rs142857822, ClinGen allele CA1905016.